The following is an entry in ClinVar:

ClinVar aggregate classification (germline): Pathogenic (1 of 4 stars; one submission).

Conditions:
Hereditary cancer-predisposing syndrome. Also called: Neoplastic Syndromes, Hereditary; Tumor predisposition; Hereditary neoplastic syndrome; Hereditary Cancer Syndrome. Identifiers: Orphanet 140162, MedGen C0027672, MeSH D009386, MONDO:0015356.

Submission:

Ambry Genetics
Classification: Pathogenic for Hereditary cancer-predisposing syndrome. Last evaluated: 2024-05-13. Review status: criteria provided, single submitter. Criteria: Ambry Variant Classification Scheme 2023. Collection method: clinical testing. Allele origin: germline.
Comment: The c.2369delA pathogenic mutation, located in coding exon 16 of the TSC1 gene, results from a deletion of one nucleotide at nucleotide position 2369, causing a translational frameshift with a predicted alternate stop codon (p.Y790Sfs*17). This variant is considered to be rare based on population cohorts in the Genome Aggregation Database (gnomAD). This alteration is expected to result in loss of function by premature protein truncation or nonsense-mediated mRNA decay. As such, this alteration is interpreted as a disease-causing mutation.

NM_000368.5(TSC1):c.2369del (p.Tyr790fs)

Gene: TSC1 (TSC complex subunit 1; minus strand). Cytogenetic location: 9q34.13.
Variant type: Deletion.
Coding change: c.2369del on transcript NM_000368.5 (MANE Select); coding-DNA position 2369, one base deleted (A; older notation c.2369delA).
Protein change: p.Tyr790fs; shifts the reading frame from tyrosine 790.
Molecular consequence: frameshift variant. On other transcripts: non-coding transcript variant (5).
Genome position (GRCh38, 1-based): chr9:132,902,627, T deleted on the plus strand (A on the coding strand, the reverse complement: TSC1 is on the minus strand). VCF-style (leftmost placement, unchanged base first): chr9-132902626-GT-G. GRCh37 (hg19) VCF-style: chr9-135778013-GT-G.
Other names: c.2366del, p.Tyr789fs (NM_001162426.2, NM_001406597.1, NM_001406598.1 and 4 more transcripts); c.2216del, p.Tyr739fs (NM_001162427.2, NM_001406610.1); c.2006del, p.Tyr669fs (NM_001362177.2, NM_001406614.1, NM_001406615.1 and 5 more transcripts); c.2369del, p.Tyr790fs (NM_001406592.1, NM_001406593.1, NM_001406594.1 and 5 more transcripts); c.2354del, p.Tyr785fs (NM_001406601.1, NM_001406602.1); c.2351del, p.Tyr784fs (NM_001406603.1, NM_001406604.1); c.2213del, p.Tyr738fs (NM_001406611.1, NM_001406612.1, NM_001406613.1); c.2003del, p.Tyr668fs (NM_001406620.1, NM_001406621.1, NM_001406622.1 and 2 more transcripts); and 3 more; short protein forms Y668fs, Y789fs, Y472fs, Y669fs, Y738fs, Y739fs, Y439fs, Y473fs.
Identifiers: ClinVar variation 3329419 (VCV003329419.1).
Genomic context (GRCh38, chr9:132,902,626, plus strand): 5'-ATTCTCGCAGTTGGCTTTGCCTGGTGCTGCAGTTTATACCTGTAATTCCTGGCTCTGGTT[GT>G]AGAATTCCTCTCGGTCATGCTGCAGCTGTCTGATCTGGCTGTGGAGCTTGGTTACCATAG-3'